The following is an entry in ClinVar:

NM_000057.4(BLM):c.2139T>G (p.Ile713Met)

Gene: BLM (BLM RecQ like helicase; plus strand). Cytogenetic location: 15q26.1.
Variant type: single nucleotide variant.
Coding change: c.2139T>G on transcript NM_000057.4 (MANE Select); coding-DNA position 2139, T replaced by G.
Protein change: p.Ile713Met; replaces isoleucine 713 with methionine.
Molecular consequence: missense variant.
Genome position (GRCh38, 1-based): chr15:90,765,360, T>G. VCF-style: chr15-90765360-T-G. GRCh37 (hg19) VCF-style: chr15-91308590-T-G.
Other names: c.2139T>G, p.Ile713Met (NM_001287246.2, NM_001287247.2); c.1014T>G, p.Ile338Met (NM_001287248.2); short protein forms I338M, I713M.
Identifiers: ClinVar variation 956043 (VCV000956043.1), dbSNP rs1896095110, ClinGen allele CA393844640.
Genomic context (GRCh38, chr15:90,765,360, plus strand): 5'-TGGTAAGAGTTTGTGTTACCAGCTCCCTGCCTGTGTTTCTCCTGGGGTCACTGTTGTCAT[T>G]TCTCCCTTGAGATCACTTATCGTAGATCAAGTCCAAAAGCTGACTTCCTTGGATGTAAGT-3'
Protein context (NP_000048.1, residues 703-723): ACVSPGVTVV[Ile713Met]SPLRSLIVDQ

ClinVar aggregate classification (germline): Uncertain significance (1 of 4 stars; one submission).

Conditions:
Bloom syndrome (BLM). Also called: Bloom-Torre-Machacek syndrome. Identifiers: Orphanet 125, MedGen C0005859, MONDO:0008876, OMIM 210900.

Submission:

Labcorp Genetics (formerly Invitae), Labcorp
Classification: Uncertain significance for Bloom syndrome. Last evaluated: 2019-07-19. Review status: criteria provided, single submitter. Criteria: Invitae Variant Classification Sherloc (09022015). Collection method: clinical testing. Allele origin: germline.
Comment: This sequence change replaces isoleucine with methionine at codon 713 of the BLM protein (p.Ile713Met). The isoleucine residue is highly conserved and there is a small physicochemical difference between isoleucine and methionine. This variant is not present in population databases (ExAC no frequency). This variant has not been reported in the literature in individuals with BLM-related conditions. Algorithms developed to predict the effect of missense changes on protein structure and function are either unavailable or do not agree on the potential impact of this missense change (SIFT: "Deleterious"; PolyPhen-2: "Probably Damaging"; Align-GVGD: "Class C0"). In summary, the available evidence is currently insufficient to determine the role of this variant in disease. Therefore, it has been classified as a Variant of Uncertain Significance.